The following is an entry in ClinVar:

NM_206926.2(SELENON):c.788_879dup (p.Asp294fs)

Gene: SELENON (selenoprotein N; plus strand). Cytogenetic location: 1p36.11.
Variant type: Duplication.
Coding change: c.788_879dup on transcript NM_206926.2 (MANE Select); coding-DNA positions 788 to 879, 92 bases duplicated.
Protein change: p.Asp294fs; shifts the reading frame from aspartic acid 294.
Molecular consequence: frameshift variant.
Genome position (GRCh38, 1-based): chr1:25,809,700-25,809,791, 92 bases duplicated. GRCh37 (hg19): chr1:26,136,191-26,136,282.
Other names: c.890_981dup, p.Asp328fs (NM_020451.3); short protein forms D294fs, D328fs.
Identifiers: ClinVar variation 2862485 (VCV002862485.3), dbSNP rs2524986424, ClinGen allele CA2739272396.

ClinVar aggregate classification (germline): Pathogenic (1 of 4 stars; one submission).

Conditions:
Eichsfeld type congenital muscular dystrophy (CMYO3). Also called: MYOPATHY, SEPN1-RELATED; Rigid spine muscular dystrophy 1; SELENON-related myopathy; Congenital myopathy 3 with rigid spine. Identifiers: MedGen C0410180, MONDO:0100100, OMIM 602771.

Submission:

Labcorp Genetics (formerly Invitae), Labcorp
Classification: Pathogenic for Eichsfeld type congenital muscular dystrophy. Last evaluated: 2023-05-07. Review status: criteria provided, single submitter. Criteria: Invitae Variant Classification Sherloc (09022015). Collection method: clinical testing. Allele origin: germline.
Comment: For these reasons, this variant has been classified as Pathogenic. Algorithms developed to predict the effect of sequence changes on RNA splicing suggest that this variant may disrupt the consensus splice site. This variant has not been reported in the literature in individuals affected with SELENON-related conditions. This variant is not present in population databases (gnomAD no frequency). This sequence change creates a premature translational stop signal (p.Asp328Serfs*43) in the SELENON gene. It is expected to result in an absent or disrupted protein product. Loss-of-function variants in SELENON are known to be pathogenic (PMID: 21131290, 21670436).

Literature cited by the submitters: PubMed 21131290; PubMed 21670436.